The following is an entry in ClinVar:

ClinVar aggregate classification (germline): Pathogenic. Review status: reviewed by expert panel (3 of 4 stars). 2 submissions from 2 submitters: Pathogenic (1). 1 of the submissions does not count toward it. Last evaluated 2026-10-30.

Conditions:
Retinal dystrophy. Also called: Inherited retinal dystrophy. Identifiers: Orphanet 71862, MedGen C0854723, MeSH D058499, MONDO:0019118, HP:0000556.
RPGR-related retinopathy. Also called: RPGR retinopathy. Identifiers: MedGen CN305589, MONDO:0100437.

Submissions (2):

ClinGen X-linked Inherited Retinal Disease Variant Curation Expert Panel, ClinGen
Classification: Pathogenic for RPGR-related retinopathy. Last evaluated: 2026-10-30. Review status: reviewed by expert panel. Criteria: ClinGen X LinkedIRD ACMG Specifications RPGR V1.0.0. Collection method: curation. Allele origin: germline. Inheritance: X-linked inheritance.
Comment: NM_001034853.2(RPGR):c.2872G>T (p.Glu958Ter) is a nonsense variant that results in a premature stop codon in exon 15 of 15, which is predicted to disrupt a critical C-terminal region required for proper function of RPGR (PVS1, PMID: 36445968). This variant is absent from hemizygous individuals in gnomAD v4.1.2 (PM2_Supporting). This variant has been reported in at least 2 probands meeting the PS4 requirement of some functional vision impairment in affected males by age 30 years, and/or decreased or absent cone and/or rod electroretinogram responses (PMID: 35806195, 36445968, PS4_Supporting). This variant was reported in other papers (PMID: 17195164, 30105367, 39462066), but due to a lack of information (proband's sex, age, and visual impairment/status) was not used as evidence. The variant has been reported to segregate through at least 3 meioses in one family (PP1_Moderate; PMID: 41481301). In summary, this variant is classified as Pathogenic for RPGR-related retinopathy based on the ClinGen X-linked Inherited Retinal Disease Expert Panel Specifications to the ACMG/AMP Variant Interpretation Guidelines for RPGR Version 1.0.0: PVS1, PM2_Supporting, PS4_Supporting, and PP1_Moderate.

Institute of Human Genetics, Univ. Regensburg, Univ. Regensburg
Classification: Pathogenic for Retinal dystrophy. Last evaluated: 2017-01-01. Review status: criteria provided, single submitter. Criteria: ACMG Guidelines, 2015. Collection method: clinical testing. Allele origin: germline. Affected: yes. Not counted in ClinVar's aggregate classification.

Literature cited by the submitters: PubMed 17195164 (cited by Institute of Human Genetics, Univ. Regensburg, Univ. Regensburg); PubMed 3580619 (cited by Institute of Human Genetics, Univ. Regensburg, Univ. Regensburg).

NM_001034853.2(RPGR):c.2872G>T (p.Glu958Ter)

Gene: RPGR (retinitis pigmentosa GTPase regulator; minus strand). Cytogenetic location: Xp11.4.
Variant type: single nucleotide variant.
Coding change: c.2872G>T on transcript NM_001034853.2 (MANE Select); coding-DNA position 2872, G replaced by T.
Protein change: p.Glu958Ter; replaces glutamic acid 958 with a stop codon.
Molecular consequence: nonsense. On other transcripts: intron variant (8).
Genome position (GRCh38, 1-based): chrX:38,286,127, C>A on the plus strand (G>T on the coding strand, the complement: RPGR is on the minus strand). VCF-style: chrX-38286127-C-A. GRCh37 (hg19) VCF-style: chrX-38145380-C-A.
Other names: c.1569+4832G>T (NM_001367249.1, NM_001367250.1); c.1902+967G>T (NM_001367245.1); c.1386+4832G>T (NM_001367251.1); c.1719+967G>T (NM_001367246.1); c.1572+4832G>T (NM_001367247.1); c.1905+967G>T (NM_000328.3); c.1602+4832G>T (NM_001367248.1); short protein forms E958*.
Identifiers: ClinVar variation 3250228 (VCV003250228.2).